The following is an entry in ClinVar:

NM_002968.3(SALL1):c.1396_1406del (p.Ile466fs)

Gene: SALL1 (spalt like transcription factor 1; minus strand). Cytogenetic location: 16q12.1.
Variant type: Deletion.
Coding change: c.1396_1406del on transcript NM_002968.3 (MANE Select); coding-DNA positions 1396 to 1406, 11 bases deleted (ATCCACTTGCG).
Protein change: p.Ile466fs; shifts the reading frame from isoleucine 466.
Molecular consequence: frameshift variant.
Genome position (GRCh38, 1-based): chr16:51,140,816-51,140,826, CGCAAGTGGAT deleted on the plus strand (ATCCACTTGCG on the coding strand, the reverse complement: SALL1 is on the minus strand); deleting any 11 consecutive bases within chr16:51,140,816-51,140,827 gives the same sequence; the c. name uses the placement nearest the transcript's 3' end. VCF-style (leftmost placement, unchanged base first): chr16-51140815-ACGCAAGTGGAT-A. GRCh37 (hg19) VCF-style: chr16-51174726-ACGCAAGTGGAT-A.
Other names: c.1105_1115del, p.Ile369fs (NM_001127892.2); short protein forms I369fs, I466fs.
Identifiers: ClinVar variation 4857231 (VCV004857231.1).

ClinVar aggregate classification (germline): Pathogenic (1 of 4 stars; one submission).

Conditions:
Townes-Brocks syndrome 1 (TBS1). Also called: DEAFNESS, SENSORINEURAL, WITH IMPERFORATE ANUS AND THUMB ANOMALIES; REAR SYNDROME; RENAL-EAR-ANAL-RADIAL SYNDROME; SALL1-Related Townes-Brocks Syndrome. Identifiers: Orphanet 857, MedGen C4551481, MONDO:0054581, OMIM 107480.

Submission:

Molecular Genetics Laboratory, Motol Hospital
Classification: Pathogenic for Townes-Brocks syndrome 1. Last evaluated: 2026-06-05. Review status: criteria provided, single submitter. Criteria: ACMG Guidelines, 2015. Collection method: clinical testing. Allele origin: germline. Inheritance: Autosomal dominant inheritance. Affected: yes. Observed: 1 variant allele, 1 heterozygote.
Comment: A rare variant not present in non-Finnish European population (gnomAD v4.1.1) (PM2). Rare truncating variants in the SALL1 gene are associated with autosomal dominant Townes-Brocks syndrome (PVS1). The variant c.1396_1406del is classified as pathogenic.

Literature cited by the submitters: PubMed 18000979; PubMed 16088922.